The following is an entry in ClinVar:

NM_032119.4(ADGRV1):c.17450A>T (p.Asn5817Ile)

Gene: ADGRV1 (adhesion G protein-coupled receptor V1; plus strand). Cytogenetic location: 5q14.3.
Variant type: single nucleotide variant.
Coding change: c.17450A>T on transcript NM_032119.4 (MANE Select); coding-DNA position 17450, A replaced by T.
Protein change: p.Asn5817Ile; replaces asparagine 5817 with isoleucine.
Molecular consequence: missense variant. On other transcripts: non-coding transcript variant (1).
Genome position (GRCh38, 1-based): chr5:90,853,529, A>T. VCF-style: chr5-90853529-A-T. GRCh37 (hg19) VCF-style: chr5-90149346-A-T.
Other names: short protein forms N5817I.
Identifiers: ClinVar variation 3088310 (VCV003088310.3), dbSNP rs1040515250, ClinGen allele CA122809849.

ClinVar aggregate classification (germline): Uncertain significance. Review status: criteria provided, multiple submitters, no conflicts (2 of 4 stars). 3 submissions from 3 submitters: Uncertain significance (3). Last evaluated 2024-11-04.

Conditions:
Inborn genetic diseases. Identifiers: MedGen C0950123, MeSH D030342.

Allele frequency attached by ClinVar (database versions not stated): gnomAD 0.00002; TOPMed 0.00002.
gnomAD v4.1: 35 of 1,608,936 alleles (0.0022%); highest among the groups gnomAD compares: Non-Finnish European, 0.0027%; no homozygotes.

Submissions (3):

Women's Health and Genetics/Laboratory Corporation of America, LabCorp
Classification: Uncertain significance. Last evaluated: 2024-11-04. Review status: criteria provided, single submitter. Criteria: LabCorp Variant Classification Summary - May 2015. Collection method: clinical testing. Allele origin: germline.
Comment: Variant summary: ADGRV1 c.17450A>T (p.Asn5817Ile) results in a non-conservative amino acid change in the encoded protein sequence. Three of five in-silico tools predict a damaging effect of the variant on protein function. The variant allele was found at a frequency of 1.2e-05 in 243742 control chromosomes. The available data on variant occurrences in the general population are insufficient to allow any conclusion about variant significance. To our knowledge, no occurrence of c.17450A>T in individuals affected with ADGRV1-Related Disorders and no experimental evidence demonstrating its impact on protein function have been reported. ClinVar contains an entry for this variant (Variation ID: 3088310). Based on the evidence outlined above, the variant was classified as uncertain significance.

Blueprint Genetics
Classification: Uncertain significance. Last evaluated: 2024-02-07. Review status: criteria provided, single submitter. Criteria: ACMG Guidelines, 2015. Collection method: clinical testing. Allele origin: germline.

Ambry Genetics
Classification: Uncertain significance for Inborn genetic diseases. Last evaluated: 2023-09-29. Review status: criteria provided, single submitter. Criteria: Ambry Variant Classification Scheme 2023. Collection method: clinical testing. Allele origin: germline.